The following is an entry in ClinVar:

NM_001035.3(RYR2):c.3884G>A (p.Ser1295Asn)

Genes: RYR2 (ryanodine receptor 2; plus strand), LOC126806067 (BRD4-independent group 4 enhancer GRCh37_chr1:237753258-237754457; plus strand). Cytogenetic location: 1q43.
Variant type: single nucleotide variant.
Coding change: c.3884G>A on transcript NM_001035.3 (MANE Select); coding-DNA position 3884, G replaced by A.
Protein change: p.Ser1295Asn; replaces serine 1295 with asparagine.
Molecular consequence: missense variant.
Genome position (GRCh38, 1-based): chr1:237,590,716, G>A. VCF-style: chr1-237590716-G-A. GRCh37 (hg19) VCF-style: chr1-237754016-G-A.
Other names: short protein forms S1295N.
Identifiers: ClinVar variation 5028698 (VCV005028698.1).

ClinVar aggregate classification (germline): Uncertain significance (1 of 4 stars; one submission).

Conditions:
Cardiovascular phenotype. Identifiers: MedGen CN230736.

gnomAD v4.1: 5 of 1,609,148 alleles (0.00031%); highest among the groups gnomAD compares: Non-Finnish European, 0.00034%; no homozygotes.

Submission:

Ambry Genetics
Classification: Uncertain significance for Cardiovascular phenotype. Last evaluated: 2026-08-03. Review status: criteria provided, single submitter. Criteria: Ambry Variant Classification Scheme 2023. Collection method: clinical testing. Allele origin: germline.
Comment: The p.S1295N variant (also known as c.3884G>A), located in coding exon 31 of the RYR2 gene, results from a G to A substitution at nucleotide position 3884. The serine at codon 1295 is replaced by asparagine, an amino acid with highly similar properties. This amino acid position is conserved. In addition, the in silico prediction for this alteration is inconclusive. Based on the available evidence, the clinical significance of this variant remains unclear.